The following is an entry in ClinVar:

NM_000138.5(FBN1):c.8491del (p.Ile2831fs)

Gene: FBN1 (fibrillin 1; minus strand). Cytogenetic location: 15q21.1.
Variant type: Deletion.
Coding change: c.8491del on transcript NM_000138.5 (MANE Select); coding-DNA position 8491, one base deleted (A; older notation c.8491delA).
Protein change: p.Ile2831fs; shifts the reading frame from isoleucine 2831.
Molecular consequence: frameshift variant.
Genome position (GRCh38, 1-based): chr15:48,411,115, T deleted on the plus strand (A on the coding strand, the reverse complement: FBN1 is on the minus strand); the first of 3 consecutive T bases (chr15:48,411,115-48,411,117); deleting any one gives the same sequence. VCF-style (leftmost placement, unchanged base first): chr15-48411114-AT-A. GRCh37 (hg19) VCF-style: chr15-48703311-AT-A.
Other names: c.8491del, p.Ile2831fs (NM_001406716.1); short protein forms I2831fs.
Identifiers: ClinVar variation 2925529 (VCV002925529.3), dbSNP rs2505370786, ClinGen allele CA490118901.
Genomic context (GRCh38, chr15:48,411,114, plus strand): 5'-TTGTCATATTTGTCTTCTAGTTGGTTAAGTTCTTTCTTTTTATAAAGTGGAGTACTACTG[AT>A]TTGTAATGAATAGGTTCCAGCCACTGGCTTCTTCTTTGTGAAGTGGAGGTAGCTGATCCC-3'

ClinVar aggregate classification (germline): Pathogenic (1 of 4 stars; one submission).

Conditions:
Marfan syndrome (MFS). Also called: MARFAN SYNDROME, TYPE I; Marfan syndrome type 1; Marfan's syndrome; Marfan syndrome, classic; FBN1-Related Marfan Syndrome. Identifiers: Orphanet 284963, Orphanet 558, MedGen C0024796, MONDO:0007947, OMIM 154700.
Familial thoracic aortic aneurysm and aortic dissection (TAAD). Also called: Thoracic aortic aneurysms and dissections. Identifiers: Orphanet 91387, MedGen C4707243, MONDO:0019625.

Submission:

Labcorp Genetics (formerly Invitae), Labcorp
Classification: Pathogenic for Marfan syndrome; Familial thoracic aortic aneurysm and aortic dissection. Last evaluated: 2023-06-04. Review status: criteria provided, single submitter. Criteria: Invitae Variant Classification Sherloc (09022015). Collection method: clinical testing. Allele origin: germline.
Comment: This premature translational stop signal has been observed in individual(s) with FBN1-related conditions (PMID: 19293843). This variant is not present in population databases (gnomAD no frequency). This sequence change creates a premature translational stop signal (p.Ile2831Serfs*15) in the FBN1 gene. While this is not anticipated to result in nonsense mediated decay, it is expected to disrupt the last 41 amino acid(s) of the FBN1 protein. This variant disrupts a region of the FBN1 protein in which other variant(s) (p.Q2867*) have been determined to be pathogenic (PMID: 19293843). This suggests that this is a clinically significant region of the protein, and that variants that disrupt it are likely to be disease-causing. For these reasons, this variant has been classified as Pathogenic.

Literature cited by the submitters: PubMed 19293843.